The following is an entry in ClinVar:

NM_001035.3(RYR2):c.4366G>T (p.Gly1456Cys)

Gene: RYR2 (ryanodine receptor 2; plus strand). Cytogenetic location: 1q43.
Variant type: single nucleotide variant.
Coding change: c.4366G>T on transcript NM_001035.3 (MANE Select); coding-DNA position 4366, G replaced by T.
Protein change: p.Gly1456Cys; replaces glycine 1456 with cysteine.
Molecular consequence: missense variant.
Genome position (GRCh38, 1-based): chr1:237,593,566, G>T. VCF-style: chr1-237593566-G-T. GRCh37 (hg19) VCF-style: chr1-237756866-G-T.
Other names: short protein forms G1456C.
Identifiers: ClinVar variation 927181 (VCV000927181.5), dbSNP rs1265113691, ClinGen allele CA345399876.
Genomic context (GRCh38, chr1:237,593,566, plus strand): 5'-CAAGAACCTGCTAATGTCTGGGTGGGCTGGATTACATCAGATTTCCATCAGTATGACACA[G>T]GCTTTGACTTGGACAGAGTTCGCACAGTAACAGTTACTCTAGGAGATGAAAAAGGAAAAG-3'
Protein context (NP_001026.2, residues 1446-1466): ITSDFHQYDT[Gly1456Cys]FDLDRVRTVT

ClinVar aggregate classification (germline): Uncertain significance (1 of 4 stars; one submission).

Conditions:
Cardiomyopathy (CMYO). Also called: Cardiomyopathies. Identifiers: Orphanet 167848, MedGen C0878544, MONDO:0004994, HP:0001638. Inheritance: Various modes of inheritance.

Submission:

Color Diagnostics, LLC DBA Color Health
Classification: Uncertain significance for Cardiomyopathy. Last evaluated: 2023-12-04. Review status: criteria provided, single submitter. Criteria: ACMG Guidelines, 2015. Collection method: clinical testing. Allele origin: germline.
Comment: Variant of Uncertain Significance due to insufficient evidence: This missense variant is located in the cytoplasmic SPRY domain 3 of the RYR2 protein. Computational prediction tools and conservation analyses are inconclusive regarding the impact of this variant on the protein function. Computational splicing tools suggest that this variant may not impact RNA splicing. To our knowledge, functional assays have not been performed for this variant nor has this variant been reported in individuals affected with cardiovascular disorders in the literature. This variant is rare in the general population and has been identified in 0/277264 chromosomes by the Genome Aggregation Database (gnomAD). Available evidence is insufficient to determine the role of this variant in disease conclusively.